The following is an entry in ClinVar:

ClinVar aggregate classification (germline): Conflicting classifications of pathogenicity. Review status: criteria provided, conflicting classifications (1 of 4 stars). 8 submissions from 8 submitters: Uncertain significance (1); Benign (3); Likely benign (3). 1 of the submissions does not count toward it. Last evaluated 2026-02-04.

Conditions:
Retinitis pigmentosa (RP). Identifiers: Orphanet 791, MedGen C0035334, MeSH D012174, MONDO:0019200, OMIM 268000. Inheritance: Autosomal dominant, autosomal recessive and X linked inheritance.
Retinitis pigmentosa 25 (RP25). Identifiers: Orphanet 791, MedGen C1864446, MONDO:0011272, OMIM 602772.

Allele frequency attached by ClinVar (database versions not stated): 1000 Genomes Project 30x 0.00219; 1000 Genomes Project 0.00260; TOPMed 0.00656; gnomAD exomes 0.00663 and 0.00978; ExAC 0.00678; gnomAD 0.00688 and 0.00740; ESP Exome Variant Server 0.00831.
gnomAD v4.1: 15,254 of 1,609,906 alleles (0.95%); highest among the groups gnomAD compares: Non-Finnish European, 1.1%; 104 homozygotes.

Submissions (8):

Labcorp Genetics (formerly Invitae), Labcorp
Classification: Benign. Last evaluated: 2026-02-04. Review status: criteria provided, single submitter. Criteria: Invitae Variant Classification Sherloc (09022015). Collection method: clinical testing. Allele origin: germline.

CeGaT Center for Human Genetics Tuebingen
Classification: Benign. Last evaluated: 2026-02-01. Review status: criteria provided, single submitter. Criteria: CeGaT Center For Human Genetics Tuebingen Variant Classification Criteria Version 2. Collection method: clinical testing. Allele origin: germline. Affected: yes. Observed: 8 variant alleles.
Comment: EYS: BP4, BS1, BS2

Blueprint Genetics
Classification: Likely benign. Last evaluated: 2024-11-26. Review status: criteria provided, single submitter. Criteria: ACMG Guidelines, 2015. Collection method: clinical testing. Allele origin: germline.

ARUP Laboratories, Molecular Genetics and Genomics, ARUP Laboratories
Classification: Likely benign for Retinitis pigmentosa 25. Last evaluated: 2023-09-18. Review status: criteria provided, single submitter. Criteria: ARUP Molecular Germline Variant Investigation Process 2024. Collection method: clinical testing. Allele origin: germline.

Genome-Nilou Lab
Classification: Likely benign for Retinitis pigmentosa 25. Last evaluated: 2021-05-18. Review status: criteria provided, single submitter. Criteria: ACMG Guidelines, 2015. Collection method: clinical testing. Allele origin: germline. Affected: no.

Illumina Laboratory Services, Illumina
Classification: Uncertain significance for Retinitis pigmentosa. Last evaluated: 2017-04-27. Review status: criteria provided, single submitter. Criteria: ICSL Variant Classification Criteria 13 December 2019. Collection method: clinical testing. Allele origin: germline.
Comment: This variant was observed as part of a predisposition screen in an ostensibly healthy population. A literature search was performed for the gene, cDNA change, and amino acid change (where applicable). Publications were found based on this search. However, the evidence from the literature, in combination with allele frequency data from public databases where available, was not sufficient to rule this variant in or out of causing disease. Therefore, this variant is classified as a variant of unknown significance.

GeneDx
Classification: Benign. Last evaluated: 2015-03-03. Review status: criteria provided, single submitter. Criteria: GeneDx Variant Classification Process June 2021. Collection method: clinical testing. Allele origin: germline. Affected: yes.

Natera, Inc.
Classification: Benign for Retinitis pigmentosa type 25. Last evaluated: 2020-06-07. Review status: no assertion criteria provided. Collection method: clinical testing. Allele origin: germline. Not counted in ClinVar's aggregate classification.

Literature cited by the submitters: PubMed 20333770 (cited by Illumina Laboratory Services, Illumina).

NM_001142800.2(EYS):c.1596A>C (p.Lys532Asn)

Gene: EYS (EGF-like photoreceptor maintenance factor; minus strand). Cytogenetic location: 6q12.
Variant type: single nucleotide variant.
Coding change: c.1596A>C on transcript NM_001142800.2 (MANE Select); coding-DNA position 1596, A replaced by C.
Protein change: p.Lys532Asn; replaces lysine 532 with asparagine.
Molecular consequence: missense variant.
Genome position (GRCh38, 1-based): chr6:65,344,041, T>G on the plus strand (A>C on the coding strand, the complement: EYS is on the minus strand). VCF-style: chr6-65344041-T-G. GRCh37 (hg19) VCF-style: chr6-66053934-T-G.
Other names: c.1596A>C, p.Lys532Asn (NM_001142801.2, NM_001292009.2, NM_198283.2); short protein forms K532N.
Identifiers: ClinVar variation 788995 (VCV000788995.52), dbSNP rs61753611, ClinGen allele CA3877691.